The following is an entry in ClinVar:

NM_000282.4(PCCA):c.1596G>T (p.Leu532Phe)

Gene: PCCA (propionyl-CoA carboxylase subunit alpha; plus strand). Cytogenetic location: 13q32.3.
Variant type: single nucleotide variant.
Coding change: c.1596G>T on transcript NM_000282.4 (MANE Select); coding-DNA position 1596, G replaced by T.
Protein change: p.Leu532Phe; replaces leucine 532 with phenylalanine.
Molecular consequence: missense variant. On other transcripts: non-coding transcript variant (5).
Genome position (GRCh38, 1-based): chr13:100,340,212, G>T. VCF-style: chr13-100340212-G-T. GRCh37 (hg19) VCF-style: chr13-100992466-G-T.
Other names: c.1374G>T, p.Leu458Phe (NM_001352608.2); c.1596G>T, p.Leu532Phe (NM_001352609.2, NM_001178004.2, NM_001352605.2); c.651G>T, p.Leu217Phe (NM_001352610.2, NM_001352611.2); c.507G>T, p.Leu169Phe (NM_001352612.2); c.1518G>T, p.Leu506Phe (NM_001127692.3, NM_001352607.2); c.1452G>T, p.Leu484Phe (NM_001352606.2); short protein forms L217F, L458F, L506F, L532F, L169F, L484F.
Identifiers: ClinVar variation 2585343 (VCV002585343.3), dbSNP rs764309172, ClinGen allele CA7033725.

ClinVar aggregate classification (germline): Uncertain significance. Review status: criteria provided, multiple submitters, no conflicts (2 of 4 stars). 2 submissions from 2 submitters: Uncertain significance (2). Last evaluated 2023-12-15.

Conditions:
Propionic acidemia (PROP). Also called: KETOTIC HYPERGLYCINEMIA; GLYCINEMIA, KETOTIC; HYPERGLYCINEMIA WITH KETOACIDOSIS AND LEUKOPENIA. Identifiers: Orphanet 35, MedGen C0268579, MONDO:0011628, OMIM 606054, HP:0003571.

Allele frequency attached by ClinVar (database versions not stated): gnomAD exomes 0.00001; ExAC 0.00002.
gnomAD v4.1: 16 of 1,611,784 alleles (0.00099%); highest among the groups gnomAD compares: South Asian, 0.016%; no homozygotes.

Submissions (2):

Labcorp Genetics (formerly Invitae), Labcorp
Classification: Uncertain significance for Propionic acidemia. Last evaluated: 2023-12-15. Review status: criteria provided, single submitter. Criteria: Invitae Variant Classification Sherloc (09022015). Collection method: clinical testing. Allele origin: germline.
Comment: This sequence change replaces leucine, which is neutral and non-polar, with phenylalanine, which is neutral and non-polar, at codon 532 of the PCCA protein (p.Leu532Phe). This variant is present in population databases (rs764309172, gnomAD 0.01%). This variant has not been reported in the literature in individuals affected with PCCA-related conditions. Advanced modeling of protein sequence and biophysical properties (such as structural, functional, and spatial information, amino acid conservation, physicochemical variation, residue mobility, and thermodynamic stability) has been performed at Invitae for this missense variant, however the output from this modeling did not meet the statistical confidence thresholds required to predict the impact of this variant on PCCA protein function. In summary, the available evidence is currently insufficient to determine the role of this variant in disease. Therefore, it has been classified as a Variant of Uncertain Significance.

Neuberg Centre For Genomic Medicine, NCGM
Classification: Uncertain significance for Propionic acidemia. Review status: criteria provided, single submitter. Criteria: ACMG Guidelines, 2015. Collection method: clinical testing. Allele origin: germline. Inheritance: Autosomal recessive inheritance. Affected: yes.
Comment: The missense variant c.1596G>T (p.Leu532Phe) in PCCA gene has not been reported previously as a pathogenic variant nor as a benign variant, to our knowledge. This variant is reported with the allele frequency (0.002%) in the gnomad and novel in 1000 genome database. The amino acid Leucine at position 532 is changed to a Phenylalanine changing protein sequence and it might alter its composition and physico-chemical properties. In silico tools predict the variant to be tolerated. The residue is conserved across species. For these reasons, this variant has been classified as Uncertain Significance.